The following is an entry in ClinVar:

NM_001371986.1(UNC80):c.6772G>A (p.Val2258Ile)

Gene: UNC80 (unc-80 homolog, NALCN channel complex subunit; plus strand). Cytogenetic location: 2q34.
Variant type: single nucleotide variant.
Coding change: c.6772G>A on transcript NM_001371986.1 (MANE Select); coding-DNA position 6772, G replaced by A.
Protein change: p.Val2258Ile; replaces valine 2258 with isoleucine.
Molecular consequence: missense variant.
Genome position (GRCh38, 1-based): chr2:209,941,346, G>A. VCF-style: chr2-209941346-G-A. GRCh37 (hg19) VCF-style: chr2-210806070-G-A.
Other names: c.6574G>A, p.Val2192Ile (NM_032504.2); c.6559G>A, p.Val2187Ile (NM_182587.4); short protein forms V2258I, V2187I, V2192I.
Identifiers: ClinVar variation 1439797 (VCV001439797.6), dbSNP rs1161523752, ClinGen allele CA350772757.

ClinVar aggregate classification (germline): Uncertain significance (1 of 4 stars; one submission).

Allele frequency attached by ClinVar (database versions not stated): TOPMed 0.00002; gnomAD exomes 0.00001; gnomAD 0.00004.
gnomAD v4.1: 15 of 1,551,070 alleles (0.00097%); highest among the groups gnomAD compares: African/African-American, 0.011%; no homozygotes.

Submission:

Labcorp Genetics (formerly Invitae), Labcorp
Classification: Uncertain significance. Last evaluated: 2023-06-20. Review status: criteria provided, single submitter. Criteria: Invitae Variant Classification Sherloc (09022015). Collection method: clinical testing. Allele origin: germline.
Comment: In summary, the available evidence is currently insufficient to determine the role of this variant in disease. Therefore, it has been classified as a Variant of Uncertain Significance. Advanced modeling of protein sequence and biophysical properties (such as structural, functional, and spatial information, amino acid conservation, physicochemical variation, residue mobility, and thermodynamic stability) performed at Invitae indicates that this missense variant is not expected to disrupt UNC80 protein function. ClinVar contains an entry for this variant (Variation ID: 1439797). This variant has not been reported in the literature in individuals affected with UNC80-related conditions. This variant is present in population databases (no rsID available, gnomAD 0.01%). This sequence change replaces valine, which is neutral and non-polar, with isoleucine, which is neutral and non-polar, at codon 2192 of the UNC80 protein (p.Val2192Ile).